The following is an entry in ClinVar:

ClinVar aggregate classification (germline): Uncertain significance. Review status: criteria provided, multiple submitters, no conflicts (2 of 4 stars). 2 submissions from 2 submitters: Uncertain significance (2). Last evaluated 2025-03-24.

Conditions:
Inborn genetic diseases. Identifiers: MedGen C0950123, MeSH D030342.

gnomAD v4.1: 2 of 1,614,132 alleles (0.00012%); highest among the groups gnomAD compares: Admixed American, 0.0017%; no homozygotes.

Submissions (2):

Ambry Genetics
Classification: Uncertain significance for Inborn genetic diseases. Last evaluated: 2025-03-24. Review status: criteria provided, single submitter. Criteria: Ambry Variant Classification Scheme 2023. Collection method: clinical testing. Allele origin: germline.
Comment: The p.I480V variant (also known as c.1438A>G), located in coding exon 11 of the BMPR2 gene, results from an A to G substitution at nucleotide position 1438. The isoleucine at codon 480 is replaced by valine, an amino acid with highly similar properties. This amino acid position is conserved. In addition, this alteration is predicted to be tolerated by in silico analysis. Based on the available evidence, the clinical significance of this variant remains unclear.

Blueprint Genetics
Classification: Uncertain significance. Last evaluated: 2024-07-17. Review status: criteria provided, single submitter. Criteria: ACMG Guidelines, 2015. Collection method: clinical testing. Allele origin: germline.

NM_001204.7(BMPR2):c.1438A>G (p.Ile480Val)

Gene: BMPR2 (bone morphogenetic protein receptor type 2; plus strand). Cytogenetic location: 2q33.2.
Variant type: single nucleotide variant.
Coding change: c.1438A>G on transcript NM_001204.7 (MANE Select); coding-DNA position 1438, A replaced by G.
Protein change: p.Ile480Val; replaces isoleucine 480 with valine.
Molecular consequence: missense variant.
Genome position (GRCh38, 1-based): chr2:202,552,740, A>G. VCF-style: chr2-202552740-A-G. GRCh37 (hg19) VCF-style: chr2-203417463-A-G.
Other names: short protein forms I480V.
Identifiers: ClinVar variation 3992062 (VCV003992062.2).